The following is an entry in ClinVar:

NM_020810.3(TRMT5):c.1481C>T (p.Thr494Met)

Gene: TRMT5 (tRNA methyltransferase 5; minus strand). Cytogenetic location: 14q23.1.
Variant type: single nucleotide variant.
Coding change: c.1481C>T on transcript NM_020810.3 (MANE Select); coding-DNA position 1481, C replaced by T.
Protein change: p.Thr494Met; replaces threonine 494 with methionine.
Molecular consequence: missense variant.
Genome position (GRCh38, 1-based): chr14:60,975,158, G>A on the plus strand (C>T on the coding strand, the complement: TRMT5 is on the minus strand). VCF-style: chr14-60975158-G-A. GRCh37 (hg19) VCF-style: chr14-61441876-G-A.
Other names: c.1565C>T, p.Thr522Met (NM_001350253.1); c.1562C>T, p.Thr521Met (NM_001350254.1); short protein forms T494M, T521M, T522M.
Identifiers: ClinVar variation 692099 (VCV000692099.15), dbSNP rs114570574, ClinGen allele CA7213706.

ClinVar aggregate classification (germline): Conflicting classifications of pathogenicity. Review status: criteria provided, conflicting classifications (1 of 4 stars). 4 submissions from 4 submitters: Uncertain significance (1); Likely benign (1). 2 of the submissions do not count toward it. Last evaluated 2025-12-22.

Conditions:
Combined oxidative phosphorylation defect type 26 (PNSED). Also called: PERIPHERAL NEUROPATHY WITH VARIABLE SPASTICITY, EXERCISE INTOLERANCE, AND DEVELOPMENTAL DELAY; Combined oxidative phosphorylation deficiency 26. Identifiers: Orphanet 477684, MedGen C5567741, MONDO:0014684, OMIM 616539.
Intellectual disability. Also called: intellectual disabilities; Intellectual functioning disability; Intellectual developmental disorder. Identifiers: MedGen C3714756, MeSH D008607, MONDO:0001071, HP:0001249.
TRMT5-related disorder. Also called: TRMT5-related condition.

Allele frequency attached by ClinVar (database versions not stated): ExAC 0.00076; 1000 Genomes Project 30x 0.00203; TOPMed 0.00048; ESP Exome Variant Server 0.00008; gnomAD 0.00031; gnomAD exomes 0.00073; 1000 Genomes Project 0.00180.
gnomAD v4.1: 456 of 1,607,240 alleles (0.028%); highest among the groups gnomAD compares: East Asian, 0.59%; no homozygotes.

Submissions (4):

Labcorp Genetics (formerly Invitae), Labcorp
Classification: Likely benign. Last evaluated: 2025-12-22. Review status: criteria provided, single submitter. Criteria: Invitae Variant Classification Sherloc (09022015). Collection method: clinical testing. Allele origin: germline.

Cambridge Genomics Laboratory, East Genomic Laboratory Hub, NHS Genomic Medicine Service
Classification: Uncertain significance for Intellectual disability. Last evaluated: 2020-04-29. Review status: criteria provided, single submitter. Criteria: ACGS Best Practice Guidelines for Variant Classification in Rare Disease 2020. Collection method: clinical testing. Allele origin: germline. Affected: yes. Observed: 1 variant allele.

PreventionGenetics, part of Exact Sciences
Classification: Likely benign for TRMT5-related condition. Last evaluated: 2020-01-27. Review status: no assertion criteria provided. Collection method: clinical testing. Allele origin: germline. Not counted in ClinVar's aggregate classification.
Comment: This variant is classified as likely benign based on ACMG/AMP sequence variant interpretation guidelines (Richards et al. 2015 PMID: 25741868, with internal and published modifications).

Institute of Pediatric Research, Children's Hospital of Soochow University, Soochow University
Classification: Uncertain significance for Combined oxidative phosphorylation defect type 26. Review status: no assertion criteria provided. Collection method: clinical testing. Allele origin: inherited. Inheritance: Autosomal recessive inheritance. Affected: yes. Not counted in ClinVar's aggregate classification.